The following is an entry in ClinVar:

NM_001386298.1(CIC):c.6240G>C (p.Arg2080=)

Gene: CIC (capicua transcriptional repressor; plus strand). Cytogenetic location: 19q13.2.
Variant type: single nucleotide variant.
Coding change: c.6240G>C on transcript NM_001386298.1 (MANE Select); coding-DNA position 6240, G replaced by C.
Protein change: p.Arg2080=; no amino-acid change (arginine 2080 retained).
Molecular consequence: synonymous variant.
Genome position (GRCh38, 1-based): chr19:42,292,999, G>C. VCF-style: chr19-42292999-G-C. GRCh37 (hg19) VCF-style: chr19-42797151-G-C.
Other names: c.6240G>C, p.Arg2080= (NM_001304815.2, NM_001379482.1); c.6237G>C, p.Arg2079= (NM_001379480.1); c.3513G>C, p.Arg1171= (NM_001379484.1, NM_001379485.1, NM_015125.5).
Identifiers: ClinVar variation 718375 (VCV000718375.28), dbSNP rs199995606, ClinGen allele CA9472662.
Genomic context (GRCh38, chr19:42,292,999, plus strand): 5'-AATTTTCTCCCCACTAGCAGGTTCCATGACCTACAGCTTAGTGGCCCCCAAGGCCCAGCG[G>C]CCCAGCCCGAAGGCCCCCCAGAAAGTGAAGGCAGCCATCGCCAGCATTCCCGTGGGGTCC-3'
Protein context (NP_001373227.1, residues 2070-2090): TYSLVAPKAQ[Arg2080=]PSPKAPQKVK

ClinVar aggregate classification (germline): Benign/Likely benign. Review status: criteria provided, multiple submitters, no conflicts (2 of 4 stars). 3 submissions from 3 submitters: Benign (1); Likely benign (2). Last evaluated 2026-05-01.

Allele frequency attached by ClinVar (database versions not stated): 1000 Genomes Project 30x 0.00031; 1000 Genomes Project 0.00040; TOPMed 0.00058; ESP Exome Variant Server 0.00063; gnomAD exomes 0.00108 and 0.00199; ExAC 0.00226; gnomAD 0.00245.

Submissions (3):

CeGaT Center for Human Genetics Tuebingen
Classification: Likely benign. Last evaluated: 2026-05-01. Review status: criteria provided, single submitter. Criteria: CeGaT Center For Human Genetics Tuebingen Variant Classification Criteria Version 2. Collection method: clinical testing. Allele origin: germline. Affected: yes. Observed: 6 variant alleles.
Comment: CIC: BP4, BP7, BS1

Blueprint Genetics
Classification: Likely benign. Last evaluated: 2024-10-30. Review status: criteria provided, single submitter. Criteria: ACMG Guidelines, 2015. Collection method: clinical testing. Allele origin: germline.

Labcorp Genetics (formerly Invitae), Labcorp
Classification: Benign. Last evaluated: 2018-06-08. Review status: criteria provided, single submitter. Criteria: Invitae Variant Classification Sherloc (09022015). Collection method: clinical testing. Allele origin: germline.